The following is an entry in ClinVar:

NM_006767.4(LZTR1):c.619C>A (p.Leu207Ile)

Gene: LZTR1 (leucine zipper like post translational regulator 1; plus strand). Cytogenetic location: 22q11.21.
Variant type: single nucleotide variant.
Coding change: c.619C>A on transcript NM_006767.4 (MANE Select); coding-DNA position 619, C replaced by A.
Protein change: p.Leu207Ile; replaces leucine 207 with isoleucine.
Molecular consequence: missense variant.
Genome position (GRCh38, 1-based): chr22:20,989,650, C>A. VCF-style: chr22-20989650-C-A. GRCh37 (hg19) VCF-style: chr22-21343939-C-A.
Other names: short protein forms L207I.
Identifiers: ClinVar variation 3238316 (VCV003238316.3), dbSNP rs1924523905.

ClinVar aggregate classification (germline): Uncertain significance. Review status: criteria provided, multiple submitters, no conflicts (2 of 4 stars). 2 submissions from 2 submitters: Uncertain significance (2). Last evaluated 2024-12-08.

Conditions:
Hereditary cancer-predisposing syndrome. Also called: Neoplastic Syndromes, Hereditary; Tumor predisposition; Hereditary neoplastic syndrome; Hereditary Cancer Syndrome. Identifiers: Orphanet 140162, MedGen C0027672, MeSH D009386, MONDO:0015356.
Cardiovascular phenotype. Identifiers: MedGen CN230736.

Submissions (2):

Labcorp Genetics (formerly Invitae), Labcorp
Classification: Uncertain significance. Last evaluated: 2024-12-08. Review status: criteria provided, single submitter. Criteria: Invitae Variant Classification Sherloc (09022015). Collection method: clinical testing. Allele origin: germline.
Comment: This sequence change replaces leucine, which is neutral and non-polar, with isoleucine, which is neutral and non-polar, at codon 207 of the LZTR1 protein (p.Leu207Ile). This variant is not present in population databases (gnomAD no frequency). This variant has not been reported in the literature in individuals affected with LZTR1-related conditions. ClinVar contains an entry for this variant (Variation ID: 3238316). Invitae Evidence Modeling of protein sequence and biophysical properties (such as structural, functional, and spatial information, amino acid conservation, physicochemical variation, residue mobility, and thermodynamic stability) indicates that this missense variant is not expected to disrupt LZTR1 protein function with a negative predictive value of 80%. In summary, the available evidence is currently insufficient to determine the role of this variant in disease. Therefore, it has been classified as a Variant of Uncertain Significance.

Ambry Genetics
Classification: Uncertain significance for Cardiovascular phenotype; Hereditary cancer-predisposing syndrome. Last evaluated: 2023-05-14. Review status: criteria provided, single submitter. Criteria: Ambry Variant Classification Scheme 2023. Collection method: clinical testing. Allele origin: germline.
Comment: The p.L207I variant (also known as c.619C>A), located in coding exon 7 of the LZTR1 gene, results from a C to A substitution at nucleotide position 619. The leucine at codon 207 is replaced by isoleucine, an amino acid with highly similar properties. This amino acid position is conserved. In addition, this alteration is predicted to be tolerated by in silico analysis. Since supporting evidence is limited at this time, the clinical significance of this alteration remains unclear.